The following is an entry in ClinVar:

ClinVar aggregate classification (germline): Uncertain significance (1 of 4 stars; one submission).

Submission:

Labcorp Genetics (formerly Invitae), Labcorp
Classification: Uncertain significance. Last evaluated: 2025-08-29. Review status: criteria provided, single submitter. Criteria: Invitae Variant Classification Sherloc (09022015). Collection method: clinical testing. Allele origin: germline.
Comment: This sequence change replaces leucine, which is neutral and non-polar, with phenylalanine, which is neutral and non-polar, at codon 20 of the CFP protein (p.Leu20Phe). This variant is not present in population databases (gnomAD no frequency). This variant has not been reported in the literature in individuals affected with CFP-related conditions. An algorithm developed to predict the effect of missense changes on protein structure and function outputs the following: PolyPhen-2: "Probably Damaging". The phenylalanine amino acid residue is found in multiple mammalian species, which suggests that this missense change does not adversely affect protein function. In summary, the available evidence is currently insufficient to determine the role of this variant in disease. Therefore, it has been classified as a Variant of Uncertain Significance.

NM_001145252.3(CFP):c.58C>T (p.Leu20Phe)

Gene: CFP (complement factor properdin; minus strand). Cytogenetic location: Xp11.23.
Variant type: single nucleotide variant.
Coding change: c.58C>T on transcript NM_001145252.3 (MANE Select); coding-DNA position 58, C replaced by T.
Protein change: p.Leu20Phe; replaces leucine 20 with phenylalanine.
Molecular consequence: missense variant.
Genome position (GRCh38, 1-based): chrX:47,629,787, G>A on the plus strand (C>T on the coding strand, the complement: CFP is on the minus strand). VCF-style: chrX-47629787-G-A. GRCh37 (hg19) VCF-style: chrX-47489186-G-A.
Other names: c.58C>T, p.Leu20Phe (NM_002621.2); short protein forms L20F.
Identifiers: ClinVar variation 4716054 (VCV004716054.1).